The following is an entry in ClinVar:

NM_006939.4(SOS2):c.3173C>T (p.Pro1058Leu)

Gene: SOS2 (SOS Ras/Rho guanine nucleotide exchange factor 2; minus strand). Cytogenetic location: 14q21.3.
Variant type: single nucleotide variant.
Coding change: c.3173C>T on transcript NM_006939.4 (MANE Select); coding-DNA position 3173, C replaced by T.
Protein change: p.Pro1058Leu; replaces proline 1058 with leucine.
Molecular consequence: missense variant.
Genome position (GRCh38, 1-based): chr14:50,130,665, G>A on the plus strand (C>T on the coding strand, the complement: SOS2 is on the minus strand). VCF-style: chr14-50130665-G-A. GRCh37 (hg19) VCF-style: chr14-50597383-G-A.
Other names: c.3074C>T, p.Pro1025Leu (NM_001411020.1); short protein forms P1058L, P1025L.
Identifiers: ClinVar variation 2124389 (VCV002124389.4), dbSNP rs1264055007, ClinGen allele CA389640841.

ClinVar aggregate classification (germline): Uncertain significance (1 of 4 stars; one submission).

Conditions:
Noonan syndrome 9 (NS9). Identifiers: Orphanet 648, MedGen C4225282, MONDO:0014691, OMIM 616559.

Submission:

Labcorp Genetics (formerly Invitae), Labcorp
Classification: Uncertain significance for Noonan syndrome 9. Last evaluated: 2024-10-22. Review status: criteria provided, single submitter. Criteria: Invitae Variant Classification Sherloc (09022015). Collection method: clinical testing. Allele origin: germline.
Comment: This sequence change replaces proline, which is neutral and non-polar, with leucine, which is neutral and non-polar, at codon 1058 of the SOS2 protein (p.Pro1058Leu). This variant is not present in population databases (gnomAD no frequency). This variant has not been reported in the literature in individuals affected with SOS2-related conditions. ClinVar contains an entry for this variant (Variation ID: 2124389). Invitae Evidence Modeling of protein sequence and biophysical properties (such as structural, functional, and spatial information, amino acid conservation, physicochemical variation, residue mobility, and thermodynamic stability) indicates that this missense variant is not expected to disrupt SOS2 protein function with a negative predictive value of 95%. In summary, the available evidence is currently insufficient to determine the role of this variant in disease. Therefore, it has been classified as a Variant of Uncertain Significance.